The following is an entry in ClinVar:

ClinVar aggregate classification (germline): Uncertain significance (1 of 4 stars; one submission).

Conditions:
Familial thoracic aortic aneurysm and aortic dissection (TAAD). Also called: Thoracic aortic aneurysms and dissections. Identifiers: Orphanet 91387, MedGen C4707243, MONDO:0019625.

Submission:

Ambry Genetics
Classification: Uncertain significance for Familial thoracic aortic aneurysm and aortic dissection. Last evaluated: 2024-07-19. Review status: criteria provided, single submitter. Criteria: Ambry Variant Classification Scheme 2023. Collection method: clinical testing. Allele origin: germline.
Comment: The p.T313I variant (also known as c.938C>T), located in coding exon 7 of the FBN2 gene, results from a C to T substitution at nucleotide position 938. The threonine at codon 313 is replaced by isoleucine, an amino acid with similar properties. This amino acid position is well conserved in available vertebrate species. In addition, this alteration is predicted to be tolerated by in silico analysis. Based on the available evidence, the clinical significance of this variant remains unclear.

NM_001999.4(FBN2):c.938C>T (p.Thr313Ile)

Gene: FBN2 (fibrillin 2; minus strand). Cytogenetic location: 5q23.3.
Variant type: single nucleotide variant.
Coding change: c.938C>T on transcript NM_001999.4 (MANE Select); coding-DNA position 938, C replaced by T.
Protein change: p.Thr313Ile; replaces threonine 313 with isoleucine.
Molecular consequence: missense variant.
Genome position (GRCh38, 1-based): chr5:128,446,495, G>A on the plus strand (C>T on the coding strand, the complement: FBN2 is on the minus strand). VCF-style: chr5-128446495-G-A. GRCh37 (hg19) VCF-style: chr5-127782188-G-A.
Other names: short protein forms T313I.
Identifiers: ClinVar variation 3513606 (VCV003513606.1).